The following is an entry in ClinVar:

ClinVar aggregate classification (germline): Conflicting classifications of pathogenicity. Review status: criteria provided, conflicting classifications (1 of 4 stars). 4 submissions from 4 submitters: Uncertain significance (2); Likely benign (2). Last evaluated 2026-01-02.

Conditions:
Baller-Gerold syndrome (BGS). Also called: CRANIOSYNOSTOSIS WITH RADIAL DEFECTS. Identifiers: Orphanet 1225, MedGen C0265308, MONDO:0009039, OMIM 218600.

Allele frequency attached by ClinVar (database versions not stated): gnomAD exomes 0.00002 and 0.00004; ExAC 0.00004; gnomAD 0.00006 and 0.00007; TOPMed 0.00009.

Submissions (4):

Labcorp Genetics (formerly Invitae), Labcorp
Classification: Likely benign for Baller-Gerold syndrome. Last evaluated: 2026-01-02. Review status: criteria provided, single submitter. Criteria: Invitae Variant Classification Sherloc (09022015). Collection method: clinical testing. Allele origin: germline.

Blueprint Genetics
Classification: Likely benign. Last evaluated: 2024-07-24. Review status: criteria provided, single submitter. Criteria: ACMG Guidelines, 2015. Collection method: clinical testing. Allele origin: germline.

Baylor Genetics
Classification: Uncertain significance for Baller-Gerold syndrome. Last evaluated: 2020-06-03. Review status: criteria provided, single submitter. Criteria: ACMG Guidelines, 2015. Collection method: clinical testing. Allele origin: unknown. Affected: yes.
Comment: This variant was determined to be of uncertain significance according to ACMG Guidelines, 2015 [PMID:25741868].

Eurofins Ntd Llc (ga)
Classification: Uncertain significance. Last evaluated: 2018-01-02. Review status: criteria provided, single submitter. Criteria: EGL Classification Definitions 2015. Collection method: clinical testing. Allele origin: germline. Observed: 1 variant allele, 1 heterozygote.

NM_004260.4(RECQL4):c.862G>A (p.Gly288Arg)

Gene: RECQL4 (RecQ like helicase 4; minus strand). Cytogenetic location: 8q24.3.
Variant type: single nucleotide variant.
Coding change: c.862G>A on transcript NM_004260.4 (MANE Select); coding-DNA position 862, G replaced by A.
Protein change: p.Gly288Arg; replaces glycine 288 with arginine.
Molecular consequence: missense variant.
Genome position (GRCh38, 1-based): chr8:144,516,257, C>T on the plus strand (G>A on the coding strand, the complement: RECQL4 is on the minus strand). VCF-style: chr8-144516257-C-T. GRCh37 (hg19) VCF-style: chr8-145741641-C-T.
Other names: short protein forms G288R.
Identifiers: ClinVar variation 406960 (VCV000406960.24), dbSNP rs199706417, ClinGen allele CA4949161.